The following is an entry in ClinVar:

ClinVar aggregate classification (germline): Uncertain significance. Review status: criteria provided, multiple submitters, no conflicts (2 of 4 stars). 3 submissions from 3 submitters: Uncertain significance (3). Last evaluated 2026-07-23.

Conditions:
Nephronophthisis 9 (NPHP9). Identifiers: Orphanet 655, MedGen C3151188, MONDO:0013444, OMIM 613824.
Polycystic kidney disease 8. Identifiers: MedGen C5935640, MONDO:0971178, OMIM 620903.
Renal-hepatic-pancreatic dysplasia 2 (RHPD2). Identifiers: MedGen C3809434, MONDO:0014174, OMIM 615415.
NEK8-related disorder. Also called: NEK8-related condition.

Allele frequency attached by ClinVar (database versions not stated): gnomAD exomes below 0.00001; TOPMed below 0.00001; gnomAD 0.00001.
gnomAD v4.1: 7 of 1,613,770 alleles (0.00043%); highest among the groups gnomAD compares: Non-Finnish European, 0.00059%; no homozygotes.

Submissions (3):

PreventionGenetics, part of Exact Sciences
Classification: Uncertain significance for NEK8-related condition. Last evaluated: 2026-07-23. Review status: criteria provided, single submitter. Criteria: ACMG Guidelines, 2015. Collection method: clinical testing. Allele origin: germline.
Comment: The NEK8 c.673G>C variant is predicted to result in the amino acid substitution p.Asp225His. This variant has been reported in combination with another NEK8 variant in an individual with nephronophthisis (Bekheirnia et al. 2021. PubMed ID: 35368817). Of note, this variant is located within the autosomal dominant polycystic kidney disease (ADPKD)-related kinase domain which spans approximately from codons 1 to 258 (Figure 2, Claus et al. 2023. PubMed ID: 37598857). This variant has not been reported in a large population database (gnomAD), indicating this variant is rare. At this time, the clinical significance of this variant is uncertain due to the absence of conclusive functional and genetic evidence.

Fulgent Genetics
Classification: Uncertain significance for Nephronophthisis 9; Renal-hepatic-pancreatic dysplasia 2; Polycystic kidney disease 8. Last evaluated: 2024-01-25. Review status: criteria provided, single submitter. Criteria: ACMG Guidelines, 2015. Collection method: clinical testing. Allele origin: germline.

Labcorp Genetics (formerly Invitae), Labcorp
Classification: Uncertain significance for Nephronophthisis 9. Last evaluated: 2022-07-19. Review status: criteria provided, single submitter. Criteria: Invitae Variant Classification Sherloc (09022015). Collection method: clinical testing. Allele origin: germline.
Comment: Algorithms developed to predict the effect of missense changes on protein structure and function are either unavailable or do not agree on the potential impact of this missense change (SIFT: "Deleterious"; PolyPhen-2: "Possibly Damaging"; Align-GVGD: "Class C0"). ClinVar contains an entry for this variant (Variation ID: 1008743). This missense change has been observed in individual(s) with clinical features of NEK8-related conditions (Invitae). This variant is not present in population databases (gnomAD no frequency). This sequence change replaces aspartic acid, which is acidic and polar, with histidine, which is basic and polar, at codon 225 of the NEK8 protein (p.Asp225His). In summary, the available evidence is currently insufficient to determine the role of this variant in disease. Therefore, it has been classified as a Variant of Uncertain Significance.

NM_178170.3(NEK8):c.673G>C (p.Asp225His)

Gene: NEK8 (NIMA related kinase 8; plus strand). Cytogenetic location: 17q11.2.
Variant type: single nucleotide variant.
Coding change: c.673G>C on transcript NM_178170.3 (MANE Select); coding-DNA position 673, G replaced by C.
Protein change: p.Asp225His; replaces aspartic acid 225 with histidine.
Molecular consequence: missense variant.
Genome position (GRCh38, 1-based): chr17:28,737,360, G>C. VCF-style: chr17-28737360-G-C. GRCh37 (hg19) VCF-style: chr17-27064378-G-C.
Other names: c.673G>C (NM_178170.2); short protein forms D225H.
Identifiers: ClinVar variation 1008743 (VCV001008743.7), dbSNP rs1403766728, ClinGen allele CA398343284.